The following is an entry in ClinVar:

ClinVar aggregate classification (germline): Uncertain significance (1 of 4 stars; one submission).

gnomAD v4.1: 1 of 1,611,432 alleles (0.000062%); highest among the groups gnomAD compares: Admixed American, 0.0017%; no homozygotes.

Submission:

Labcorp Genetics (formerly Invitae), Labcorp
Classification: Uncertain significance. Last evaluated: 2025-08-26. Review status: criteria provided, single submitter. Criteria: Invitae Variant Classification Sherloc (09022015). Collection method: clinical testing. Allele origin: germline.
Comment: This sequence change replaces proline, which is neutral and non-polar, with alanine, which is neutral and non-polar, at codon 19 of the ACVR1 protein (p.Pro19Ala). This variant is not present in population databases (gnomAD no frequency). This variant has not been reported in the literature in individuals affected with ACVR1-related conditions. An algorithm developed to predict the effect of missense changes on protein structure and function (PolyPhen-2) suggests that this variant is likely to be tolerated. In summary, the available evidence is currently insufficient to determine the role of this variant in disease. Therefore, it has been classified as a Variant of Uncertain Significance.

NM_001111067.4(ACVR1):c.55C>G (p.Pro19Ala)

Gene: ACVR1 (activin A receptor type 1; minus strand). Cytogenetic location: 2q24.1.
Variant type: single nucleotide variant.
Coding change: c.55C>G on transcript NM_001111067.4 (MANE Select); coding-DNA position 55, C replaced by G.
Protein change: p.Pro19Ala; replaces proline 19 with alanine.
Molecular consequence: missense variant.
Genome position (GRCh38, 1-based): chr2:157,799,439, G>C on the plus strand (C>G on the coding strand, the complement: ACVR1 is on the minus strand). VCF-style: chr2-157799439-G-C. GRCh37 (hg19) VCF-style: chr2-158655951-G-C.
Other names: c.55C>G, p.Pro19Ala (NM_001105.5, NM_001347663.1, NM_001347664.1 and 3 more transcripts); short protein forms P19A.
Identifiers: ClinVar variation 4700856 (VCV004700856.1).